The following is an entry in ClinVar:

ClinVar aggregate classification (germline): Uncertain significance. Review status: criteria provided, multiple submitters, no conflicts (2 of 4 stars). 2 submissions from 2 submitters: Uncertain significance (2). Last evaluated 2025-08-12.

Conditions:
Inborn genetic diseases. Identifiers: MedGen C0950123, MeSH D030342.
Autosomal dominant nocturnal frontal lobe epilepsy 5. Also called: KCNT1-Related Epilepsy; CILIARY DYSKINESIA, PRIMARY, 28, WITHOUT SITUS INVERSUS; CILIARY DYSKINESIA, PRIMARY, 28, WITH SITUS INVERSUS; Epilepsy, nocturnal frontal lobe, 5. Identifiers: Orphanet 98784, MedGen C3554306, MONDO:0014002, OMIM 615005.
Developmental and epileptic encephalopathy, 14 (DEE14). Also called: Early infantile epileptic encephalopathy 14. Identifiers: Orphanet 293181, MedGen C3554195, MONDO:0013989, OMIM 614959.

Allele frequency attached by ClinVar (database versions not stated): gnomAD exomes below 0.00001 and 0.00001; ExAC 0.00001; TOPMed 0.00001; gnomAD 0.00002; ESP Exome Variant Server 0.00008.
gnomAD v4.1: 22 of 1,613,372 alleles (0.0014%); highest among the groups gnomAD compares: African/African-American, 0.008%; no homozygotes.

Submissions (2):

Ambry Genetics
Classification: Uncertain significance for Inborn genetic diseases. Last evaluated: 2025-08-12. Review status: criteria provided, single submitter. Criteria: Ambry Variant Classification Scheme 2023. Collection method: clinical testing. Allele origin: germline.

Labcorp Genetics (formerly Invitae), Labcorp
Classification: Uncertain significance for Autosomal dominant nocturnal frontal lobe epilepsy 5; Developmental and epileptic encephalopathy, 14. Last evaluated: 2023-07-17. Review status: criteria provided, single submitter. Criteria: Invitae Variant Classification Sherloc (09022015). Collection method: clinical testing. Allele origin: germline.
Comment: The frequency data for this variant in the population databases is considered unreliable, as metrics indicate poor data quality at this position in the gnomAD database. In summary, the available evidence is currently insufficient to determine the role of this variant in disease. Therefore, it has been classified as a Variant of Uncertain Significance. Advanced modeling of protein sequence and biophysical properties (such as structural, functional, and spatial information, amino acid conservation, physicochemical variation, residue mobility, and thermodynamic stability) performed at Invitae indicates that this missense variant is not expected to disrupt KCNT1 protein function. ClinVar contains an entry for this variant (Variation ID: 1047050). This missense change has been observed in individual(s) with clinical features of KCNT1-related conditions (Invitae). This sequence change replaces valine, which is neutral and non-polar, with isoleucine, which is neutral and non-polar, at codon 489 of the KCNT1 protein (p.Val489Ile).

NM_020822.3(KCNT1):c.1465G>A (p.Val489Ile)

Gene: KCNT1 (potassium sodium-activated channel subfamily T member 1; plus strand). Cytogenetic location: 9q34.3.
Variant type: single nucleotide variant.
Coding change: c.1465G>A on transcript NM_020822.3 (MANE Select); coding-DNA position 1465, G replaced by A.
Protein change: p.Val489Ile; replaces valine 489 with isoleucine.
Molecular consequence: missense variant.
Genome position (GRCh38, 1-based): chr9:135,768,892, G>A. VCF-style: chr9-135768892-G-A. GRCh37 (hg19) VCF-style: chr9-138660738-G-A.
Other names: c.1330G>A, p.Val444Ile (NM_001272003.2); c.1465G>A (NM_020822.2); short protein forms V489I, V444I.
Identifiers: ClinVar variation 1047050 (VCV001047050.8), dbSNP rs368322298, ClinGen allele CA5326914.